The following is an entry in ClinVar:

ClinVar aggregate classification (germline): Uncertain significance (1 of 4 stars; one submission).

Conditions:
Brachyolmia-amelogenesis imperfecta syndrome. Also called: PLATYSPONDYLY WITH AMELOGENESIS IMPERFECTA; Tooth agenesis, selective, 6; Dental anomalies and short stature. Identifiers: Orphanet 2899, MedGen C1832594, MONDO:0011018, OMIM 601216. Disease mechanism: loss of function.

Allele frequency attached by ClinVar (database versions not stated): gnomAD exomes below 0.00001.
gnomAD v4.1: 2 of 1,613,774 alleles (0.00012%); highest among the groups gnomAD compares: Non-Finnish European, 0.00017%; no homozygotes.

Submission:

Labcorp Genetics (formerly Invitae), Labcorp
Classification: Uncertain significance for Brachyolmia-amelogenesis imperfecta syndrome. Last evaluated: 2022-04-01. Review status: criteria provided, single submitter. Criteria: Invitae Variant Classification Sherloc (09022015). Collection method: clinical testing. Allele origin: germline.
Comment: This variant is not present in population databases (gnomAD no frequency). This variant has not been reported in the literature in individuals affected with LTBP3-related conditions. Algorithms developed to predict the effect of missense changes on protein structure and function (SIFT, PolyPhen-2, Align-GVGD) all suggest that this variant is likely to be tolerated. In summary, the available evidence is currently insufficient to determine the role of this variant in disease. Therefore, it has been classified as a Variant of Uncertain Significance. This sequence change replaces tyrosine, which is neutral and polar, with histidine, which is basic and polar, at codon 613 of the LTBP3 protein (p.Tyr613His).

NM_001130144.3(LTBP3):c.1837T>C (p.Tyr613His)

Gene: LTBP3 (latent transforming growth factor beta binding protein 3; minus strand). Cytogenetic location: 11q13.1.
Variant type: single nucleotide variant.
Coding change: c.1837T>C on transcript NM_001130144.3 (MANE Select); coding-DNA position 1837, T replaced by C.
Protein change: p.Tyr613His; replaces tyrosine 613 with histidine.
Molecular consequence: missense variant.
Genome position (GRCh38, 1-based): chr11:65,547,929, A>G on the plus strand (T>C on the coding strand, the complement: LTBP3 is on the minus strand). VCF-style: chr11-65547929-A-G. GRCh37 (hg19) VCF-style: chr11-65315400-A-G.
Other names: c.1486T>C, p.Tyr496His (NM_001164266.1); c.1837T>C, p.Tyr613His (NM_021070.4); short protein forms Y496H, Y613H.
Identifiers: ClinVar variation 2120706 (VCV002120706.4), dbSNP rs1856448820, ClinGen allele CA381271786.